The following is an entry in ClinVar:

NM_001323289.2(CDKL5):c.2445C>T (p.Ser815=)

Gene: CDKL5 (cyclin dependent kinase like 5; plus strand). Cytogenetic location: Xp22.13.
Variant type: single nucleotide variant.
Coding change: c.2445C>T on transcript NM_001323289.2 (MANE Select); coding-DNA position 2445, C replaced by T.
Protein change: p.Ser815=; no amino-acid change (serine 815 retained).
Molecular consequence: synonymous variant.
Genome position (GRCh38, 1-based): chrX:18,625,196, C>T. VCF-style: chrX-18625196-C-T. GRCh37 (hg19) VCF-style: chrX-18643316-C-T.
Other names: c.2445C>T, p.Ser815= (NM_001037343.2, NM_003159.3).
Identifiers: ClinVar variation 258978 (VCV000258978.16), dbSNP rs371902632, ClinGen allele CA10360539.
Genomic context (GRCh38, chrX:18,625,196, plus strand): 5'-TTCCGACAGCCCTGATCTTCTGACGTTGCAGAAATCCATTCATTCTGCTAGCACTCCAAG[C>T]AGCAGACCAAAGGAGTGGCGCCCCGAGAAGATCTCAGATCTGCAGACCCAAGTGAGTGGA-3'
Protein context (NP_001310218.1, residues 805-825): QKSIHSASTP[Ser815=]SRPKEWRPEK

ClinVar aggregate classification (germline): Benign. Review status: reviewed by expert panel (3 of 4 stars). 4 submissions from 4 submitters: Benign (1). 3 of the submissions do not count toward it. Last evaluated 2021-03-26.

Conditions:
Angelman syndrome-like. Identifiers: MedGen CN128785.
Developmental and epileptic encephalopathy, 2 (DEE2). Also called: INFANTILE SPASM SYNDROME, X-LINKED 2; CDKL5 deficiency disorder. Identifiers: Orphanet 1934, Orphanet 3451, Orphanet 505652, MedGen C4750718, MONDO:0010396, OMIM 300672.
CDKL5 disorder. Identifiers: MedGen CN296942, MONDO:0100039.

Allele frequency attached by ClinVar (database versions not stated): gnomAD exomes 0.00002 and 0.00009; ExAC 0.00014; 1000 Genomes Project 30x 0.00021; gnomAD 0.00021; 1000 Genomes Project 0.00026; TOPMed 0.00031; ESP Exome Variant Server 0.00038.
gnomAD v4.1: 51 of 1,204,226 alleles (0.0042%); highest among the groups gnomAD compares: African/African-American, 0.083%; no homozygotes.

Submissions (4):

ClinGen Rett and Angelman-like Disorders Variant Curation Expert Panel
Classification: Benign for CDKL5 disorder. Last evaluated: 2021-03-26. Review status: reviewed by expert panel. Criteria: ClinGen RettAS ACMG Specifications V1. Collection method: curation. Allele origin: germline. Inheritance: X-linked inheritance.
Comment: The allele frequency of the p.Ser815= variant in CDKL5 is 0.1% in African sub population in gnomAD, which is high enough to be classified as benign based on thresholds defined by the ClinGen Rett/Angelman-like Expert Panel for Rett/AS-like conditions (BA1). The silent p.Ser815= variant is not predicted to affect splicing using multiple computational tools and does not affect a highly conserved nucleotide (BP7). In summary, the p.Ser815= variant in CDKL5 is classified as benign based on the ACMG/AMP criteria (BA1, BP7).

Labcorp Genetics (formerly Invitae), Labcorp
Classification: Benign for Developmental and epileptic encephalopathy, 2; Angelman syndrome-like. Last evaluated: 2026-01-28. Review status: criteria provided, single submitter. Criteria: Invitae Variant Classification Sherloc (09022015). Collection method: clinical testing. Allele origin: germline. Not counted in ClinVar's aggregate classification.

GeneDx
Classification: Benign. Last evaluated: 2020-10-05. Review status: criteria provided, single submitter. Criteria: GeneDx Variant Classification Process June 2021. Collection method: clinical testing. Allele origin: germline. Affected: yes. Not counted in ClinVar's aggregate classification.

PreventionGenetics, part of Exact Sciences
Classification: Likely benign. Review status: criteria provided, single submitter. Criteria: ACMG Guidelines, 2015. Collection method: clinical testing. Allele origin: germline. Not counted in ClinVar's aggregate classification.